The following is an entry in ClinVar:

NM_000059.4(BRCA2):c.10115C>G (p.Ala3372Gly)

Gene: BRCA2 (BRCA2 DNA repair associated; plus strand). Cytogenetic location: 13q13.1.
Variant type: single nucleotide variant.
Coding change: c.10115C>G on transcript NM_000059.4 (MANE Select); coding-DNA position 10115, C replaced by G.
Protein change: p.Ala3372Gly; replaces alanine 3372 with glycine.
Molecular consequence: missense variant.
Genome position (GRCh38, 1-based): chr13:32,398,628, C>G. VCF-style: chr13-32398628-C-G. GRCh37 (hg19) VCF-style: chr13-32972765-C-G.
Other names: c.10019C>G, p.Ala3340Gly (NM_001406719.1); c.10064C>G, p.Ala3355Gly (NM_001406720.1); c.5183C>G, p.Ala1728Gly (NM_001406721.1); c.3698C>G, p.Ala1233Gly (NM_001406722.1); short protein forms A3355G, A1233G, A1728G, A3340G, A3372G.
Identifiers: ClinVar variation 1983583 (VCV001983583.5), dbSNP rs748237097, ClinGen allele CA6941475.
Genomic context (GRCh38, chr13:32,398,628, plus strand): 5'-TTTTGTCTGGTTCAACAGGAGAAAAACAATTTATATCTGTCAGTGAATCCACTAGGACTG[C>G]TCCCACCAGTTCAGAAGATTATCTCAGACTGAAACGACGTTGTACTACATCTCTGATCAA-3'
Protein context (NP_000050.3, residues 3362-3382): FISVSESTRT[Ala3372Gly]PTSSEDYLRL

ClinVar aggregate classification (germline): Uncertain significance. Review status: criteria provided, multiple submitters, no conflicts (2 of 4 stars). 2 submissions from 2 submitters: Uncertain significance (2). Last evaluated 2024-10-13.

Conditions:
Hereditary breast ovarian cancer syndrome. Also called: Hereditary breast and ovarian cancer; Hereditary breast and ovarian cancer syndrome; BRCA1- and BRCA2-Associated Hereditary Breast and Ovarian Cancer; Hereditary breast and ovarian cancer syndrome (HBOC); Breast and ovarian cancer; Hereditary breast and/or ovarian cancer syndrome. Identifiers: Orphanet 145, MedGen C0677776, MeSH D061325, MONDO:0003582. Disease mechanism: loss of function.

Allele frequency attached by ClinVar (database versions not stated): gnomAD exomes 0.00001; ExAC 0.00004.
gnomAD v4.1: 17 of 1,614,184 alleles (0.0011%); highest among the groups gnomAD compares: South Asian, 0.019%; no homozygotes.

Submissions (2):

Labcorp Genetics (formerly Invitae), Labcorp
Classification: Uncertain significance for Hereditary breast ovarian cancer syndrome. Last evaluated: 2024-10-13. Review status: criteria provided, single submitter. Criteria: Invitae Variant Classification Sherloc (09022015). Collection method: clinical testing. Allele origin: germline.
Comment: This sequence change replaces alanine, which is neutral and non-polar, with glycine, which is neutral and non-polar, at codon 3372 of the BRCA2 protein (p.Ala3372Gly). This variant is present in population databases (rs748237097, gnomAD 0.02%). This variant has not been reported in the literature in individuals affected with BRCA2-related conditions. ClinVar contains an entry for this variant (Variation ID: 1983583). Invitae Evidence Modeling of protein sequence and biophysical properties (such as structural, functional, and spatial information, amino acid conservation, physicochemical variation, residue mobility, and thermodynamic stability) indicates that this missense variant is not expected to disrupt BRCA2 protein function with a negative predictive value of 95%. In summary, the available evidence is currently insufficient to determine the role of this variant in disease. Therefore, it has been classified as a Variant of Uncertain Significance.

Quest Diagnostics Nichols Institute San Juan Capistrano
Classification: Uncertain significance. Last evaluated: 2024-05-27. Review status: criteria provided, single submitter. Criteria: Quest Diagnostics criteria. Collection method: clinical testing. Allele origin: unknown.
Comment: The BRCA2 c.10115C>G (p.Ala3372Gly) variant has been reported in the published literature in a cohort of individuals undergoing multigene panel testing (PMID: 31853058 (2020)). The frequency of this variant in the general population, 0.00023 (7/30610 chromosomes (Genome Aggregation Database)), is uninformative in the assessment of its pathogenicity. Analysis of this variant using bioinformatics tools for the prediction of the effect of amino acid changes on protein structure and function yielded predictions that this variant is benign. Based on the available information, we are unable to determine the clinical significance of this variant.

Literature cited by the submitters: PubMed 31853058 (cited by Quest Diagnostics Nichols Institute San Juan Capistrano).